The following is an entry in ClinVar:

ClinVar aggregate classification (germline): Pathogenic/Likely pathogenic. Review status: criteria provided, multiple submitters, no conflicts (2 of 4 stars). 4 submissions from 4 submitters: Pathogenic (2); Likely pathogenic (2). Last evaluated 2025-03-21.

Conditions:
Nemaline myopathy. Also called: Myopathies, Nemaline. Identifiers: Orphanet 607, MedGen C0206157, MONDO:0018958.
Nemaline myopathy 2 (NEM2). Also called: Nemaline myopathy 2, autosomal recessive. Identifiers: MedGen C1850569, MONDO:0009725, OMIM 256030.

gnomAD v4.1: 1 of 1,594,316 alleles (0.000063%); highest among the groups gnomAD compares: Non-Finnish European, 0.000086%; no homozygotes.

Submissions (4):

Broad Center for Mendelian Genomics, Broad Institute of MIT and Harvard
Classification: Likely pathogenic for Nemaline myopathy. Last evaluated: 2025-03-21. Review status: criteria provided, single submitter. Criteria: ACMG Guidelines, 2015. Collection method: curation. Allele origin: germline. Inheritance: Autosomal recessive inheritance.
Comment: The p.Gln734Ter variant in NEB has not been previously reported in the literature in individuals with nemaline myopathy, but has been identified in 0.00009% (1/1168200) of European (non-Finnish) chromosomes by the Genome Aggregation Database (gnomAD; dbSNP ID: rs780299519). Although this variant has been seen in the general population in a heterozygous state, its frequency is low enough to be consistent with a recessive carrier frequency. This variant has also been reported in ClinVar (Variation ID: 942743) and has been interpreted as pathogenic by Invitae. This nonsense variant leads to a premature termination codon at position 734, which is predicted to lead to a truncated or absent protein. Loss of function of the NEB gene is an established disease mechanism in autosomal recessive nemaline myopathy. In summary, although additional studies are required to fully establish its clinical significance, this variant is likely pathogenic for autosomal recessive nemaline myopathy. ACMG/AMP Criteria applied: PVS1, PM2_supporting (Richards 2015).

Natera, Inc.
Classification: Likely pathogenic for Nemaline myopathy type 2. Last evaluated: 2024-03-26. Review status: criteria provided, single submitter. Criteria: Natera Variant Classification Schema (03/2026). Collection method: clinical testing. Allele origin: germline.
Comment: The c.2200C>T variant in NEB is a nonsense variant predicted to introduce a stop codon at amino acid 734. This variant is expected to result in nonsense mediated decay, truncation, or a dysfunctional protein product. This variant is rare in the general population with a frequency below the threshold expected for the associated phenotype(s). Given the available evidence, this variant is classified as Likely Pathogenic.

Myriad Genetics, Inc.
Classification: Pathogenic for Nemaline myopathy 2. Last evaluated: 2023-08-22. Review status: criteria provided, single submitter. Criteria: Myriad Autosomal Dominant, Autosomal Recessive and X-Linked Classification Criteria (2023). Collection method: clinical testing. Allele origin: unknown.
Comment: NM_001271208.1(NEB):c.2200C>T(Q734*) is expected to be pathogenic in the context of NEB-related nemaline myopathy. This variant is predicted to lead to an abnormal or absent protein product due to the creation of a premature termination codon in NEB, a gene where loss-of-function variants are known to be pathogenic. Please note: this variant was assessed in the context of healthy population screening.

Labcorp Genetics (formerly Invitae), Labcorp
Classification: Pathogenic for Nemaline myopathy 2. Last evaluated: 2021-02-18. Review status: criteria provided, single submitter. Criteria: Invitae Variant Classification Sherloc (09022015). Collection method: clinical testing. Allele origin: germline.
Comment: For these reasons, this variant has been classified as Pathogenic. This variant has not been reported in the literature in individuals with NEB-related conditions. ClinVar contains an entry for this variant (Variation ID: 942743). This variant is not present in population databases (ExAC no frequency). This sequence change creates a premature translational stop signal (p.Gln734*) in the NEB gene. It is expected to result in an absent or disrupted protein product. Loss-of-function variants in NEB are known to be pathogenic (PMID: 25205138).

Literature cited by the submitters: PubMed 25205138 (cited by Labcorp Genetics (formerly Invitae), Labcorp).

NM_001164508.2(NEB):c.2200C>T (p.Gln734Ter)

Gene: NEB (nebulin; minus strand). Cytogenetic location: 2q23.3.
Variant type: single nucleotide variant.
Coding change: c.2200C>T on transcript NM_001164508.2 (MANE Select); coding-DNA position 2200, C replaced by T.
Protein change: p.Gln734Ter; replaces glutamine 734 with a stop codon.
Molecular consequence: nonsense.
Genome position (GRCh38, 1-based): chr2:151,691,875, G>A on the plus strand (C>T on the coding strand, the complement: NEB is on the minus strand). VCF-style: chr2-151691875-G-A. GRCh37 (hg19) VCF-style: chr2-152548389-G-A.
Other names: NM_001164508.2(NEB):c.2200C>T; p.Gln734Ter; c.2200C>T, p.Gln734Ter (NM_001164507.2, NM_001271208.2, NM_004543.5); short protein forms Q734*.
Identifiers: ClinVar variation 942743 (VCV000942743.10), dbSNP rs780299519, ClinGen allele CA348823550.